The following is an entry in ClinVar:

ClinVar aggregate classification (germline): Uncertain significance (1 of 4 stars; one submission).

Submission:

GeneDx
Classification: Uncertain significance. Last evaluated: 2018-11-19. Review status: criteria provided, single submitter. Criteria: GeneDx Variant Classification (06012015). Collection method: clinical testing. Allele origin: germline. Affected: yes.
Comment: The c.1099delT variant in the SRPX2 gene has not been reported previously as a pathogenic variant nor as a benign variant, to our knowledge. The c.1099delT variant causes a frameshift starting with codon Serine 367, changes this amino acid to a Proline residue, and creates a premature Stop codon at position 10 of the new reading frame, denoted p.Ser367ProfsX10. This variant is predicted to cause loss of normal protein function either through protein truncation or nonsense-mediated mRNA decay. The c.1099delT variant is not observed in large population cohorts (Lek et al., 2016). We interpret c.1099delT as a variant of uncertain significance

NM_014467.3(SRPX2):c.1099del (p.Ser367fs)

Gene: SRPX2 (sushi repeat containing protein X-linked 2; plus strand). Cytogenetic location: Xq22.1.
Variant type: Deletion.
Coding change: c.1099del on transcript NM_014467.3 (MANE Select); coding-DNA position 1099, one base deleted (T; older notation c.1099delT).
Protein change: p.Ser367fs; shifts the reading frame from serine 367.
Molecular consequence: frameshift variant.
Genome position (GRCh38, 1-based): chrX:100,669,251, T deleted. VCF-style (leftmost placement, unchanged base first): chrX-100669250-AT-A. GRCh37 (hg19) VCF-style: chrX-99924247-AT-A.
Other names: short protein forms S367fs.
Identifiers: ClinVar variation 504185 (VCV000504185.2), dbSNP rs1556013967, ClinGen allele CA658799829.